The following is an entry in ClinVar:

ClinVar aggregate classification (germline): Uncertain significance. Review status: criteria provided, single submitter (1 of 4 stars). 2 submissions from 2 submitters: Uncertain significance (1). 1 of the submissions does not count toward it. Last evaluated 2025-04-16.

Conditions:
BDNF-related disorder. Also called: BDNF-related condition.

Allele frequency attached by ClinVar (database versions not stated): ExAC 0.00003; gnomAD exomes 0.00002.
gnomAD v4.1: 5 of 1,360,930 alleles (0.00037%); highest among the groups gnomAD compares: Non-Finnish European, 0.00049%; no homozygotes.

Submissions (2):

PreventionGenetics, part of Exact Sciences
Classification: Uncertain significance for BDNF-related condition. Last evaluated: 2025-04-16. Review status: criteria provided, single submitter. Criteria: ACMG Guidelines, 2015. Collection method: clinical testing. Allele origin: germline.
Comment: The BDNF c.-22+2T>G variant is located in the 5' untranslated region. To our knowledge, this variant has not been reported in the literature. This variant is reported in 0.0037% of alleles in individuals of European (Non-Finnish) descent in gnomAD. At this time, the clinical significance of this variant is uncertain due to the absence of conclusive functional and genetic evidence.

Department of Pathology and Laboratory Medicine, Sinai Health System
Classification: Uncertain significance. Review status: no assertion criteria provided. Collection method: clinical testing. Allele origin: unknown. Affected: yes. Study: The Canadian Open Genetics Repository (COGR). Not counted in ClinVar's aggregate classification.

NM_001143808.2(BDNF):c.-22+2T>G

Gene: BDNF (brain derived neurotrophic factor; minus strand). Cytogenetic location: 11p14.1.
Variant type: single nucleotide variant.
Coding change: c.-22+2T>G on transcript NM_001143808.2; the canonical splice donor site of the intron after 22 bases upstream of the start codon, T replaced by G.
Molecular consequence: splice donor variant. On other transcripts: missense variant (1), 5 prime UTR variant (2), intron variant (6).
Genome position (GRCh38, 1-based): chr11:27,700,979, A>C on the plus strand (T>G on the coding strand, the complement: BDNF is on the minus strand). VCF-style: chr11-27700979-A-C. GRCh37 (hg19) VCF-style: chr11-27722526-A-C.
Other names: c.58T>G, p.Cys20Gly (NM_001143809.2); c.-67T>G (NM_001143810.2); c.-430T>G (NM_001143811.2); c.3+20433T>G (NM_170731.5); c.-22+19665T>G (NM_001143805.1); c.-22+19450T>G (NM_001143806.1); c.-22+19367T>G (NM_170732.4); c.-22+18532T>G (NM_001143807.2); and 1 more; short protein forms C20G.
Identifiers: ClinVar variation 1050281 (VCV001050281.6), dbSNP rs751074725, ClinGen allele CA5929259.